The following is an entry in ClinVar:

ClinVar aggregate classification (germline): Benign/Likely benign. Review status: criteria provided, multiple submitters, no conflicts (2 of 4 stars). 6 submissions from 6 submitters: Benign (4); Likely benign (1). 1 of the submissions does not count toward it. Last evaluated 2026-07-01.

Conditions:
ITCH-related disorder. Also called: ITCH-related condition.
Syndromic multisystem autoimmune disease due to ITCH deficiency. Also called: AUTOIMMUNE DISEASE, MULTISYSTEM, WITH FACIAL DYSMORPHISM. Identifiers: Orphanet 228426, MedGen C3150649, MONDO:0013245, OMIM 613385.

Allele frequency attached by ClinVar (database versions not stated): 1000 Genomes Project 30x 0.00156; 1000 Genomes Project 0.00160; TOPMed 0.00475; gnomAD 0.00526 and 0.00535; gnomAD exomes 0.00583 and 0.00700; ESP Exome Variant Server 0.00661; ExAC 0.00715.
gnomAD v4.1: 10,923 of 1,606,038 alleles (0.68%); highest among the groups gnomAD compares: South Asian, 0.78%; 47 homozygotes.

Submissions (19):

CeGaT Center for Human Genetics Tuebingen
Classification: Likely benign. Last evaluated: 2026-07-01. Review status: criteria provided, single submitter. Criteria: CeGaT Center For Human Genetics Tuebingen Variant Classification Criteria Version 2. Collection method: clinical testing. Allele origin: germline. Affected: yes. Observed: 21 variant alleles.
Comment: ITCH: BP4, BS2

Labcorp Genetics (formerly Invitae), Labcorp
Classification: Benign for Syndromic multisystem autoimmune disease due to ITCH deficiency. Last evaluated: 2026-02-03. Review status: criteria provided, single submitter. Criteria: Invitae Variant Classification Sherloc (09022015). Collection method: clinical testing. Allele origin: germline.

Mayo Clinic Laboratories, Mayo Clinic
Classification: Benign. Last evaluated: 2023-11-16. Review status: criteria provided, single submitter. Criteria: ACMG Guidelines, 2015. Collection method: clinical testing. Allele origin: germline. Observed: 9 variant alleles.
Comment: BS1, BS2, BP4, BP7

Genetic Services Laboratory, University of Chicago
Classification: Benign. Last evaluated: 2021-06-11. Review status: criteria provided, single submitter. Criteria: ACMG Guidelines, 2015. Collection method: clinical testing. Allele origin: germline. Affected: no.

Breakthrough Genomics
Classification: Benign. Review status: criteria provided, single submitter. Criteria: ACMG Guidelines, 2015. Collection method: not provided. Allele origin: germline. Inheritance: Autosomal recessive inheritance. Affected: yes.

PreventionGenetics, part of Exact Sciences
Classification: Benign for ITCH-related condition. Last evaluated: 2019-09-23. Review status: no assertion criteria provided. Collection method: clinical testing. Allele origin: germline. Not counted in ClinVar's aggregate classification.
Comment: This variant is classified as benign based on ACMG/AMP sequence variant interpretation guidelines (Richards et al. 2015 PMID: 25741868, with internal and published modifications).

Dr. Peter K. Rogan Lab, Western University
No classification provided (evidence only). Condition: Melanoma. Review status: no classification provided. Collection method: in vitro. Allele origin: not applicable. Functional consequence: retained intron. Not counted in ClinVar's aggregate classification.

Dr. Peter K. Rogan Lab, Western University
No classification provided (evidence only). Condition: Melanoma. Review status: no classification provided. Collection method: in vitro. Allele origin: not applicable. Functional consequence: retained intron. Not counted in ClinVar's aggregate classification.

Dr. Peter K. Rogan Lab, Western University
No classification provided (evidence only). Condition: Acute myeloid leukemia. Review status: no classification provided. Collection method: in vitro. Allele origin: not applicable. Functional consequence: retained intron. Not counted in ClinVar's aggregate classification.

Dr. Peter K. Rogan Lab, Western University
No classification provided (evidence only). Condition: Thyroid cancer, nonmedullary, 1. Review status: no classification provided. Collection method: in vitro. Allele origin: not applicable. Functional consequence: retained intron. Not counted in ClinVar's aggregate classification.

Dr. Peter K. Rogan Lab, Western University
No classification provided (evidence only). Condition: Thyroid cancer, nonmedullary, 1. Review status: no classification provided. Collection method: in vitro. Allele origin: not applicable. Functional consequence: retained intron. Not counted in ClinVar's aggregate classification.

Dr. Peter K. Rogan Lab, Western University
No classification provided (evidence only). Condition: Thyroid cancer, nonmedullary, 1. Review status: no classification provided. Collection method: in vitro. Allele origin: not applicable. Functional consequence: retained intron. Not counted in ClinVar's aggregate classification.

Dr. Peter K. Rogan Lab, Western University
No classification provided (evidence only). Condition: Cervical cancer. Review status: no classification provided. Collection method: in vitro. Allele origin: not applicable. Functional consequence: retained intron. Not counted in ClinVar's aggregate classification.

Dr. Peter K. Rogan Lab, Western University
No classification provided (evidence only). Condition: Cervical cancer. Review status: no classification provided. Collection method: in vitro. Allele origin: not applicable. Functional consequence: retained intron. Not counted in ClinVar's aggregate classification.

Dr. Peter K. Rogan Lab, Western University
No classification provided (evidence only). Condition: Sarcoma. Review status: no classification provided. Collection method: in vitro. Allele origin: not applicable. Functional consequence: retained intron. Not counted in ClinVar's aggregate classification.

Dr. Peter K. Rogan Lab, Western University
No classification provided (evidence only). Condition: Sarcoma. Review status: no classification provided. Collection method: in vitro. Allele origin: not applicable. Functional consequence: retained intron. Not counted in ClinVar's aggregate classification.

Dr. Peter K. Rogan Lab, Western University
No classification provided (evidence only). Condition: Gastric cancer. Review status: no classification provided. Collection method: in vitro. Allele origin: not applicable. Functional consequence: retained intron. Not counted in ClinVar's aggregate classification.

Dr. Peter K. Rogan Lab, Western University
No classification provided (evidence only). Condition: Gastric cancer. Review status: no classification provided. Collection method: in vitro. Allele origin: not applicable. Functional consequence: retained intron. Not counted in ClinVar's aggregate classification.

Dr. Peter K. Rogan Lab, Western University
No classification provided (evidence only). Condition: Malignant tumor of esophagus. Review status: no classification provided. Collection method: in vitro. Allele origin: not applicable. Functional consequence: retained intron. Not counted in ClinVar's aggregate classification.

NM_031483.7(ITCH):c.1146A>G (p.Gln382=)

Gene: ITCH (itchy E3 ubiquitin protein ligase; plus strand). Cytogenetic location: 20q11.22.
Variant type: single nucleotide variant.
Coding change: c.1146A>G on transcript NM_031483.7 (MANE Select); coding-DNA position 1146, A replaced by G.
Protein change: p.Gln382=; no amino-acid change (glutamine 382 retained).
Molecular consequence: synonymous variant.
Genome position (GRCh38, 1-based): chr20:34,449,416, A>G. VCF-style: chr20-34449416-A-G. GRCh37 (hg19) VCF-style: chr20-33037221-A-G.
Other names: p.Gln382=; c.1269A>G, p.Gln423= (NM_001257137.3, NM_001324197.2); c.816A>G, p.Gln272= (NM_001257138.3); c.1146A>G, p.Gln382= (NM_001324198.2).
Identifiers: ClinVar variation 471415 (VCV000471415.49), dbSNP rs141828786, ClinGen allele CA9821583.